The following is an entry in ClinVar:

NM_001329943.3(KIAA0586):c.2469_2483del (p.Ile824_Ser828del)

Gene: KIAA0586 (KIAA0586; plus strand). Cytogenetic location: 14q23.1.
Variant type: Deletion.
Coding change: c.2469_2483del on transcript NM_001329943.3 (MANE Select); coding-DNA positions 2469 to 2483, 15 bases deleted (CATTTCAAATAGTAG).
Protein change: p.Ile824_Ser828del.
Molecular consequence: inframe deletion.
Genome position (GRCh38, 1-based): chr14:58,470,639-58,470,653, CATTTCAAATAGTAG deleted; deleting any 15 consecutive bases within chr14:58,470,637-58,470,653 gives the same sequence; the c. name uses the placement nearest the transcript's 3' end. VCF-style (leftmost placement, unchanged base first): chr14-58470636-CAGCATTTCAAATAGT-C. GRCh37 (hg19) VCF-style: chr14-58937354-CAGCATTTCAAATAGT-C.
Other names: c.2628_2642del, p.Ile877_Ser881del (NM_001244189.2); c.2424_2438del, p.Ile809_Ser813del (NM_001244190.2); c.2214_2228del, p.Ile739_Ser743del (NM_001244191.2, NM_001329945.2, NM_001364700.1 and 1 more transcripts); c.2337_2351del, p.Ile780_Ser784del (NM_001244192.2); c.2049_2063del, p.Ile684_Ser688del (NM_001244193.2); c.2469_2483del, p.Ile824_Ser828del (NM_001329944.2, NM_001329946.2, NM_001329947.2); c.2241_2255del, p.Ile748_Ser752del (NM_014749.5).
Identifiers: ClinVar variation 1382366 (VCV001382366.8), dbSNP rs750244824, ClinGen allele CA7205888.

ClinVar aggregate classification (germline): Uncertain significance. Review status: criteria provided, multiple submitters, no conflicts (2 of 4 stars). 2 submissions from 2 submitters: Uncertain significance (2). Last evaluated 2025-04-28.

Conditions:
Joubert syndrome 23 (JBTS23). Identifiers: Orphanet 475, MedGen C4084822, MONDO:0014664, OMIM 616490.
Short-rib thoracic dysplasia 14 with polydactyly (SRTD14). Identifiers: Orphanet 397715, MedGen C4225286, MONDO:0014688, OMIM 616546.

Submissions (2):

Labcorp Genetics (formerly Invitae), Labcorp
Classification: Uncertain significance for Joubert syndrome 23; Short-rib thoracic dysplasia 14 with polydactyly. Last evaluated: 2025-04-28. Review status: criteria provided, single submitter. Criteria: Invitae Variant Classification Sherloc (09022015). Collection method: clinical testing. Allele origin: germline.
Comment: This variant, c.2628_2642del, results in the deletion of 5 amino acid(s) of the KIAA0586 protein (p.Ile877_Ser881del), but otherwise preserves the integrity of the reading frame. This variant is present in population databases (rs750244824, gnomAD 0.05%). This variant has not been reported in the literature in individuals affected with KIAA0586-related conditions. ClinVar contains an entry for this variant (Variation ID: 1382366). Experimental studies and prediction algorithms are not available or were not evaluated, and the functional significance of this variant is currently unknown. In summary, the available evidence is currently insufficient to determine the role of this variant in disease. Therefore, it has been classified as a Variant of Uncertain Significance.

Juno Genomics, Hangzhou Juno Genomics, Inc
Classification: Uncertain significance for Joubert syndrome 23; Short-rib thoracic dysplasia 14 with polydactyly. Review status: criteria provided, single submitter. Criteria: ACMG Guidelines, 2015. Collection method: clinical testing. Allele origin: germline.
Comment: Absent from controls (or at extremely low frequency if recessive) in Genome Aggregation Database.;Protein length changes due to in-frame deletions/insertions in a non-repeat region or stop-loss variants.